The following is an entry in ClinVar:

NM_001377142.1(PLCB4):c.1322C>A (p.Pro441Gln)

Gene: PLCB4 (phospholipase C beta 4; plus strand). Cytogenetic location: 20p12.2.
Variant type: single nucleotide variant.
Coding change: c.1322C>A on transcript NM_001377142.1 (MANE Select); coding-DNA position 1322, C replaced by A.
Protein change: p.Pro441Gln; replaces proline 441 with glutamine.
Molecular consequence: missense variant.
Genome position (GRCh38, 1-based): chr20:9,390,614, C>A. VCF-style: chr20-9390614-C-A. GRCh37 (hg19) VCF-style: chr20-9371261-C-A.
Other names: c.1322C>A, p.Pro441Gln (NM_000933.4, NM_001172646.2, NM_001377134.2 and 4 more transcripts); short protein forms P441Q.
Identifiers: ClinVar variation 3346850 (VCV003346850.2).

ClinVar aggregate classification (germline): Likely benign. Review status: criteria provided, single submitter (1 of 4 stars). 2 submissions from 2 submitters: Likely benign (1). 1 of the submissions does not count toward it. Last evaluated 2025-07-04.

Conditions:
PLCB4-related disorder. Also called: PLCB4-related condition.

gnomAD v4.1: 177 of 1,457,802 alleles (0.012%); highest among the groups gnomAD compares: African/African-American, 0.2%; no homozygotes.

Submissions (2):

Labcorp Genetics (formerly Invitae), Labcorp
Classification: Likely benign. Last evaluated: 2025-07-04. Review status: criteria provided, single submitter. Criteria: Invitae Variant Classification Sherloc (09022015). Collection method: clinical testing. Allele origin: germline.

PreventionGenetics, part of Exact Sciences
Classification: Likely benign for PLCB4-related condition. Last evaluated: 2024-03-18. Review status: no assertion criteria provided. Collection method: clinical testing. Allele origin: germline. Not counted in ClinVar's aggregate classification.
Comment: This variant is classified as likely benign based on ACMG/AMP sequence variant interpretation guidelines (Richards et al. 2015 PMID: 25741868, with internal and published modifications).